The following is an entry in ClinVar:

ClinVar aggregate classification (germline): Uncertain significance. Review status: criteria provided, multiple submitters, no conflicts (2 of 4 stars). 2 submissions from 2 submitters: Uncertain significance (2). Last evaluated 2024-10-11.

Conditions:
Developmental delay, hypotonia, musculoskeletal defects, and behavioral abnormalities. Identifiers: MedGen C5562012, MONDO:0859202, OMIM 619595.
Floating-Harbor syndrome (FLHS). Also called: SRCAP-Related Floating-Harbor Syndrome; Short stature with delayed bone age, expressive language delay, a triangular face with a prominent nose and deep-set eyes; Pelletier-Leisti syndrome. Identifiers: Orphanet 2044, MedGen C0729582, MONDO:0007621, OMIM 136140.

gnomAD v4.1: 19 of 1,614,128 alleles (0.0012%); highest among the groups gnomAD compares: Admixed American, 0.0017%; no homozygotes.

Submissions (2):

Labcorp Genetics (formerly Invitae), Labcorp
Classification: Uncertain significance. Last evaluated: 2024-10-11. Review status: criteria provided, single submitter. Criteria: Invitae Variant Classification Sherloc (09022015). Collection method: clinical testing. Allele origin: germline.
Comment: This sequence change replaces valine, which is neutral and non-polar, with isoleucine, which is neutral and non-polar, at codon 2694 of the SRCAP protein (p.Val2694Ile). This variant is present in population databases (rs757637739, gnomAD 0.003%). This variant has not been reported in the literature in individuals affected with SRCAP-related conditions. Invitae Evidence Modeling of protein sequence and biophysical properties (such as structural, functional, and spatial information, amino acid conservation, physicochemical variation, residue mobility, and thermodynamic stability) indicates that this missense variant is not expected to disrupt SRCAP protein function with a negative predictive value of 80%. In summary, the available evidence is currently insufficient to determine the role of this variant in disease. Therefore, it has been classified as a Variant of Uncertain Significance.

Fulgent Genetics
Classification: Uncertain significance for Floating-Harbor syndrome; Developmental delay, hypotonia, musculoskeletal defects, and behavioral abnormalities. Last evaluated: 2024-01-20. Review status: criteria provided, single submitter. Criteria: ACMG Guidelines, 2015. Collection method: clinical testing. Allele origin: germline.

NM_006662.3(SRCAP):c.8080G>A (p.Val2694Ile)

Gene: SRCAP (Snf2 related CREBBP activator protein; plus strand). Cytogenetic location: 16p11.2.
Variant type: single nucleotide variant.
Coding change: c.8080G>A on transcript NM_006662.3 (MANE Select); coding-DNA position 8080, G replaced by A.
Protein change: p.Val2694Ile; replaces valine 2694 with isoleucine.
Molecular consequence: missense variant.
Genome position (GRCh38, 1-based): chr16:30,738,120, G>A. VCF-style: chr16-30738120-G-A. GRCh37 (hg19) VCF-style: chr16-30749441-G-A.
Other names: short protein forms V2694I.
Identifiers: ClinVar variation 3580227 (VCV003580227.3).